The following is an entry in ClinVar:

NM_001365536.1(SCN9A):c.2620G>T (p.Ala874Ser)

Genes: SCN9A (sodium voltage-gated channel alpha subunit 9; minus strand), SCN1A-AS1 (SCN1A and SCN9A antisense RNA 1; plus strand). Cytogenetic location: 2q24.3.
Variant type: single nucleotide variant.
Coding change: c.2620G>T on transcript NM_001365536.1 (MANE Select); coding-DNA position 2620, G replaced by T.
Protein change: p.Ala874Ser; replaces alanine 874 with serine.
Molecular consequence: missense variant. On other transcripts: non-coding transcript variant (1).
Genome position (GRCh38, 1-based): chr2:166,277,237, C>A on the plus strand (G>T on the coding strand, the complement: SCN9A is on the minus strand). VCF-style: chr2-166277237-C-A. GRCh37 (hg19) VCF-style: chr2-167133747-C-A.
Other names: c.2587G>T, p.Ala863Ser (NM_002977.4); short protein forms A874S, A863S.
Identifiers: ClinVar variation 855831 (VCV000855831.10), dbSNP rs80356477, ClinGen allele CA1944233.

ClinVar aggregate classification (germline): Uncertain significance (1 of 4 stars; one submission).

Conditions:
Generalized epilepsy with febrile seizures plus, type 7 (GEFSP7). Also called: GEFS+, TYPE 7. Identifiers: Orphanet 36387, MedGen C2751778, MONDO:0013470, OMIM 613863.
Neuropathy, hereditary sensory and autonomic, type 2A (HSAN2A). Also called: WNK1-Related HSAN2 (HSAN2A); MORVAN DISEASE; NEUROPATHY, CONGENITAL SENSORY; NEUROPATHY, HEREDITARY SENSORY RADICULAR, AUTOSOMAL RECESSIVE; NEUROPATHY, HEREDITARY SENSORY, TYPE IIA; NEUROPATHY, PROGRESSIVE SENSORY, OF CHILDREN. Identifiers: Orphanet 970, MedGen C2752089, MONDO:0024309, OMIM 201300.

Allele frequency attached by ClinVar (database versions not stated): gnomAD exomes below 0.00001 and 0.00001; TOPMed below 0.00001; ExAC 0.00002.
gnomAD v4.1: 6 of 1,614,056 alleles (0.00037%); highest among the groups gnomAD compares: Non-Finnish European, 0.00051%; no homozygotes.

Submission:

Labcorp Genetics (formerly Invitae), Labcorp
Classification: Uncertain significance for Neuropathy, hereditary sensory and autonomic, type 2A; Generalized epilepsy with febrile seizures plus, type 7. Last evaluated: 2025-09-08. Review status: criteria provided, single submitter. Criteria: Invitae Variant Classification Sherloc (09022015). Collection method: clinical testing. Allele origin: germline.
Comment: This sequence change replaces alanine, which is neutral and non-polar, with serine, which is neutral and polar, at codon 863 of the SCN9A protein (p.Ala863Ser). This variant is present in population databases (rs80356477, gnomAD 0.007%). This variant has not been reported in the literature in individuals affected with SCN9A-related conditions. ClinVar contains an entry for this variant (Variation ID: 855831). Invitae Evidence Modeling of protein sequence and biophysical properties (such as structural, functional, and spatial information, amino acid conservation, physicochemical variation, residue mobility, and thermodynamic stability) indicates that this missense variant is not expected to disrupt SCN9A protein function with a negative predictive value of 95%. In summary, the available evidence is currently insufficient to determine the role of this variant in disease. Therefore, it has been classified as a Variant of Uncertain Significance.